The following is an entry in ClinVar:

NM_021625.5(TRPV4):c.940A>G (p.Met314Val)

Gene: TRPV4 (transient receptor potential cation channel subfamily V member 4; minus strand). Cytogenetic location: 12q24.11.
Variant type: single nucleotide variant.
Coding change: c.940A>G on transcript NM_021625.5 (MANE Select); coding-DNA position 940, A replaced by G.
Protein change: p.Met314Val; replaces methionine 314 with valine.
Molecular consequence: missense variant.
Genome position (GRCh38, 1-based): chr12:109,798,826, T>C on the plus strand (A>G on the coding strand, the complement: TRPV4 is on the minus strand). VCF-style: chr12-109798826-T-C. GRCh37 (hg19) VCF-style: chr12-110236631-T-C.
Other names: c.799A>G, p.Met267Val (NM_001177428.2, NM_001177433.2); c.838A>G, p.Met280Val (NM_001177431.2); c.940A>G, p.Met314Val (NM_147204.3); short protein forms M314V, M267V, M280V.
Identifiers: ClinVar variation 536860 (VCV000536860.7), dbSNP rs151101009, ClinGen allele CA6780383.

ClinVar aggregate classification (germline): Uncertain significance. Review status: criteria provided, multiple submitters, no conflicts (2 of 4 stars). 2 submissions from 2 submitters: Uncertain significance (2). Last evaluated 2024-12-17.

Conditions:
Charcot-Marie-Tooth disease axonal type 2C (HMSN2C). Also called: CHARCOT-MARIE-TOOTH DISEASE, AXONAL, AUTOSOMAL DOMINANT, TYPE 2C; Charcot-Marie-Tooth Neuropathy Type 2C; Charcot-Marie-Tooth Disease Type 2, TRPV4-Related (CMT2C). Identifiers: Orphanet 99937, MedGen C1853710, MONDO:0011633, OMIM 606071.

Allele frequency attached by ClinVar (database versions not stated): gnomAD 0.00001; gnomAD exomes 0.00001; ExAC 0.00002; TOPMed 0.00002; ESP Exome Variant Server 0.00015.

Submissions (2):

GeneDx
Classification: Uncertain significance. Last evaluated: 2024-12-17. Review status: criteria provided, single submitter. Criteria: GeneDx Variant Classification Process June 2021. Collection method: clinical testing. Allele origin: germline. Affected: yes.
Comment: Not observed at significant frequency in large population cohorts (gnomAD); In silico analysis indicates that this missense variant does not alter protein structure/function; Has not been previously published as pathogenic or benign to our knowledge

Labcorp Genetics (formerly Invitae), Labcorp
Classification: Uncertain significance for Charcot-Marie-Tooth disease axonal type 2C. Last evaluated: 2023-05-25. Review status: criteria provided, single submitter. Criteria: Invitae Variant Classification Sherloc (09022015). Collection method: clinical testing. Allele origin: germline.
Comment: In summary, the available evidence is currently insufficient to determine the role of this variant in disease. Therefore, it has been classified as a Variant of Uncertain Significance. Advanced modeling of protein sequence and biophysical properties (such as structural, functional, and spatial information, amino acid conservation, physicochemical variation, residue mobility, and thermodynamic stability) performed at Invitae indicates that this missense variant is not expected to disrupt TRPV4 protein function. ClinVar contains an entry for this variant (Variation ID: 536860). This variant has not been reported in the literature in individuals affected with TRPV4-related conditions. This variant is present in population databases (rs151101009, gnomAD 0.0009%). This sequence change replaces methionine, which is neutral and non-polar, with valine, which is neutral and non-polar, at codon 314 of the TRPV4 protein (p.Met314Val).